The following is an entry in ClinVar:

NC_000003.11:g.(179137294_179138676)_(179169372_?)dup

Gene: GNB4 (G protein subunit beta 4; minus strand). Cytogenetic location: 3q26.33.
Variant type: Duplication.
Identifiers: ClinVar variation 2577143 (VCV002577143.1).

ClinVar aggregate classification (germline): Uncertain significance (1 of 4 stars; one submission).

Submission:

Women's Health and Genetics/Laboratory Corporation of America, LabCorp
Classification: Uncertain significance. Last evaluated: 2023-07-26. Review status: criteria provided, single submitter. Criteria: LabCorp Variant Classification Summary - May 2015. Collection method: clinical testing. Allele origin: germline.
Comment: Variant summary: The variant identified by MLPA or other technology involves the duplication of exons 1-3 in the GNB4 gene. The exact breakpoint at the 5' end of this variant is unknown and therefore this duplication might extend upsream of the assayed region of the GNB4 gene. A presumed nomenclature of c.(?_-281)_(96+1_97-1)dup has been designated for the purposes of this classification. It has been assumed that this is a tandem duplication in direct orientation (Richardson_GIM_2018, Newman_AJHG_2015). Since the exact breakpoints of this duplication are not known, it is not possible to predict if it causes an in-frame or an out-of-frame product. The variant was absent in 21694 control chromosomes (gnomAD, structural variants dataset). The available data on variant occurrences in the general population are insufficient to allow any conclusion about variant significance. To our knowledge, no occurrence of c.(?_-281)_(96+1_97-1)dup in individuals affected with Charcot-Marie Disease Dominant Intermediate F and no experimental evidence demonstrating its impact on protein function have been reported. While it may be assumed that duplication variants including a large DNA segment upstream of the gene (i.e. containing essential promoter- and regulatory elements) might result in regular transcription initiation leading to in an intact protein product, shorter tandem duplication variants could result in a frameshift or in-frame duplication change. It is not possible to distinguish between these two outcomes in the context of this evaluation, and current evidence is not sufficient to establish loss-of-function variants in GNB4 as causative of disease. No submitters have cited clinical-significance assessments for this variant to ClinVar after 2014. Based on the evidence outlined above, the variant was classified as uncertain significance.